The following is an entry in ClinVar:

ClinVar aggregate classification (germline): Uncertain significance. Review status: criteria provided, multiple submitters, no conflicts (2 of 4 stars). 2 submissions from 2 submitters: Uncertain significance (2). Last evaluated 2026-09-25.

Conditions:
Inborn genetic diseases. Identifiers: MedGen C0950123, MeSH D030342.
PIEZO1-related disorder. Also called: PIEZO1-related condition; PIEZO1-Related Disorders.

gnomAD v4.1: 3 of 1,549,856 alleles (0.00019%); highest among the groups gnomAD compares: Non-Finnish European, 0.00026%; no homozygotes.

Submissions (2):

PreventionGenetics, part of Exact Sciences
Classification: Uncertain significance for PIEZO1-related condition. Last evaluated: 2026-09-25. Review status: criteria provided, single submitter. Criteria: ACMG Guidelines, 2015. Collection method: clinical testing. Allele origin: germline.
Comment: The PIEZO1 c.3361A>G variant is predicted to result in the amino acid substitution p.Thr1121Ala. To our knowledge, this variant has not been reported in the literature or in a large population database (gnomAD), indicating this variant is rare. At this time, the clinical significance of this variant is uncertain due to the absence of conclusive functional and genetic evidence.

Ambry Genetics
Classification: Uncertain significance for Inborn genetic diseases. Last evaluated: 2026-08-31. Review status: criteria provided, single submitter. Criteria: Ambry Variant Classification Scheme 2023. Collection method: clinical testing. Allele origin: germline.

NM_001142864.4(PIEZO1):c.3361A>G (p.Thr1121Ala)

Gene: PIEZO1 (piezo type mechanosensitive ion channel component 1 (Er blood group); minus strand). Cytogenetic location: 16q24.3.
Variant type: single nucleotide variant.
Coding change: c.3361A>G on transcript NM_001142864.4 (MANE Select); coding-DNA position 3361, A replaced by G.
Protein change: p.Thr1121Ala; replaces threonine 1121 with alanine.
Molecular consequence: missense variant.
Genome position (GRCh38, 1-based): chr16:88,727,133, T>C on the plus strand (A>G on the coding strand, the complement: PIEZO1 is on the minus strand). VCF-style: chr16-88727133-T-C. GRCh37 (hg19) VCF-style: chr16-88793541-T-C.
Other names: c.1903A>G, p.Thr635Ala (NM_014745.1); c.3361A>G (NM_001142864.3); short protein forms T635A, T1121A.
Identifiers: ClinVar variation 2554924 (VCV002554924.4), dbSNP rs1904505782, ClinGen allele CA397105327.